The following is an entry in ClinVar:

NM_000108.5(DLD):c.919G>A (p.Asp307Asn)

Gene: DLD (dihydrolipoamide dehydrogenase; plus strand). Cytogenetic location: 7q31.1.
Variant type: single nucleotide variant.
Coding change: c.919G>A on transcript NM_000108.5 (MANE Select); coding-DNA position 919, G replaced by A.
Protein change: p.Asp307Asn; replaces aspartic acid 307 with asparagine.
Molecular consequence: missense variant.
Genome position (GRCh38, 1-based): chr7:107,916,837, G>A. VCF-style: chr7-107916837-G-A. GRCh37 (hg19) VCF-style: chr7-107557282-G-A.
Other names: c.622G>A, p.Asp208Asn (NM_001289750.1); c.850G>A, p.Asp284Asn (NM_001289751.1); c.775G>A, p.Asp259Asn (NM_001289752.1); short protein forms D259N, D284N, D307N, D208N.
Identifiers: ClinVar variation 1433878 (VCV001433878.4), dbSNP rs2032282601, ClinGen allele CA368857542.
Genomic context (GRCh38, chr7:107,916,837, plus strand): 5'-CACTGTTTGTTATCTAGTATTGAAGCTGCTTCTGGTGGTAAAGCTGAAGTTATCACTTGT[G>A]ATGTACTCTTGGTTTGCATTGGCCGACGACCCTTTACTAAGAATTTGGGACTAGAAGAGC-3'
Protein context (NP_000099.2, residues 297-317): SGGKAEVITC[Asp307Asn]VLLVCIGRRP

ClinVar aggregate classification (germline): Uncertain significance (1 of 4 stars; one submission).

Conditions:
Pyruvate dehydrogenase E3 deficiency (DLDD). Also called: DLD DEFICIENCY; E3 DEFICIENCY; Lipoamide dehydrogenase deficiency, lactic acidosis due to; Lipoamide dehydrogenase deficiency; Dihydrolipoamide Dehydrogenase E3 Deficiency; Dihydrolipoamide Dehydrogenase (E3) Deficiency. Identifiers: Orphanet 2394, Orphanet 765, MedGen C5574660, MONDO:0009529, OMIM 246900.

Allele frequency attached by ClinVar (database versions not stated): TOPMed 0.00001.

Submission:

Labcorp Genetics (formerly Invitae), Labcorp
Classification: Uncertain significance for Pyruvate dehydrogenase E3 deficiency. Last evaluated: 2025-12-01. Review status: criteria provided, single submitter. Criteria: Invitae Variant Classification Sherloc (09022015). Collection method: clinical testing. Allele origin: germline.
Comment: This sequence change replaces aspartic acid, which is acidic and polar, with asparagine, which is neutral and polar, at codon 307 of the DLD protein (p.Asp307Asn). This variant is not present in population databases (gnomAD no frequency). This variant has not been reported in the literature in individuals affected with DLD-related conditions. ClinVar contains an entry for this variant (Variation ID: 1433878). Invitae Evidence Modeling of protein sequence and biophysical properties (such as structural, functional, and spatial information, amino acid conservation, physicochemical variation, residue mobility, and thermodynamic stability) indicates that this missense variant is not expected to disrupt DLD protein function with a negative predictive value of 95%. In summary, the available evidence is currently insufficient to determine the role of this variant in disease. Therefore, it has been classified as a Variant of Uncertain Significance.